The following is an entry in ClinVar:

NM_000327.4(ROM1):c.713T>C (p.Leu238Pro)

Gene: ROM1 (retinal outer segment membrane protein 1; plus strand). Cytogenetic location: 11q12.3.
Variant type: single nucleotide variant.
Coding change: c.713T>C on transcript NM_000327.4 (MANE Select); coding-DNA position 713, T replaced by C.
Protein change: p.Leu238Pro; replaces leucine 238 with proline.
Molecular consequence: missense variant.
Genome position (GRCh38, 1-based): chr11:62,614,380, T>C. VCF-style: chr11-62614380-T-C. GRCh37 (hg19) VCF-style: chr11-62381852-T-C.
Other names: short protein forms L238P.
Identifiers: ClinVar variation 1523615 (VCV001523615.6), dbSNP rs529283923, ClinGen allele CA6049821.

ClinVar aggregate classification (germline): Uncertain significance (1 of 4 stars; one submission).

Allele frequency attached by ClinVar (database versions not stated): gnomAD exomes 0.00001 and 0.00003; TOPMed 0.00001; ExAC 0.00003; gnomAD 0.00003; 1000 Genomes Project 0.00040; 1000 Genomes Project 30x 0.00047.

Submission:

Labcorp Genetics (formerly Invitae), Labcorp
Classification: Uncertain significance. Last evaluated: 2025-11-11. Review status: criteria provided, single submitter. Criteria: Invitae Variant Classification Sherloc (09022015). Collection method: clinical testing. Allele origin: germline.
Comment: This sequence change replaces leucine, which is neutral and non-polar, with proline, which is neutral and non-polar, at codon 238 of the ROM1 protein (p.Leu238Pro). This variant is present in population databases (rs529283923, gnomAD 0.01%). This missense change has been observed in individual(s) with retinitis pigmentosa (PMID: 32141364). ClinVar contains an entry for this variant (Variation ID: 1523615). Invitae Evidence Modeling of protein sequence and biophysical properties (such as structural, functional, and spatial information, amino acid conservation, physicochemical variation, residue mobility, and thermodynamic stability) indicates that this missense variant is not expected to disrupt ROM1 protein function with a negative predictive value of 80%. In summary, the available evidence is currently insufficient to determine the role of this variant in disease. Therefore, it has been classified as a Variant of Uncertain Significance.

Literature cited by the submitters: PubMed 32141364.